The following is an entry in ClinVar:

ClinVar aggregate classification (germline): Uncertain significance (1 of 4 stars; one submission).

Submission:

Ambry Genetics
Classification: Uncertain significance. Last evaluated: 2024-10-04. Review status: criteria provided, single submitter. Criteria: Ambry Variant Classification Scheme 2023. Collection method: clinical testing. Allele origin: germline.
Comment: The p.M985T variant (also known as c.2954T>C), located in coding exon 11 of the WNK2 gene, results from a T to C substitution at nucleotide position 2954. The methionine at codon 985 is replaced by threonine, an amino acid with similar properties. This amino acid position is conserved. In addition, this alteration is predicted to be tolerated by in silico analysis. Based on the available evidence, the clinical significance of this variant remains unclear.

NM_006648.4(WNK2):c.2954T>C (p.Met985Thr)

Gene: WNK2 (WNK lysine deficient protein kinase 2; plus strand). Cytogenetic location: 9q22.31.
Variant type: single nucleotide variant.
Coding change: c.2954T>C on transcript NM_006648.4 (MANE Select); coding-DNA position 2954, T replaced by C.
Protein change: p.Met985Thr; replaces methionine 985 with threonine.
Molecular consequence: missense variant.
Genome position (GRCh38, 1-based): chr9:93,259,502, T>C. VCF-style: chr9-93259502-T-C. GRCh37 (hg19) VCF-style: chr9-96021784-T-C.
Other names: c.2954T>C, p.Met985Thr (NM_001282394.3); short protein forms M985T.
Identifiers: ClinVar variation 3470083 (VCV003470083.1).